The following is an entry in ClinVar:

NM_001167623.2(CACNA1C):c.1207G>A (p.Val403Met)

Gene: CACNA1C (calcium voltage-gated channel subunit alpha1 C; plus strand). Cytogenetic location: 12p13.33.
Variant type: single nucleotide variant.
Coding change: c.1207G>A on transcript NM_001167623.2 (MANE Plus Clinical); coding-DNA position 1207, G replaced by A.
Protein change: p.Val403Met; replaces valine 403 with methionine.
Molecular consequence: missense variant. On other transcripts: intron variant (19).
Genome position (GRCh38, 1-based): chr12:2,504,529, G>A. VCF-style: chr12-2504529-G-A. GRCh37 (hg19) VCF-style: chr12-2613695-G-A.
Other names: c.1207G>A, p.Val403Met (NM_001129840.2, NM_001167624.3, NM_001167625.2); c.1114-313G>A (NM_199460.4, NM_001129827.2, NM_001129832.2 and 15 more transcripts); c.1105-313G>A (NM_001129844.2); short protein forms V403M.
Identifiers: ClinVar variation 1302971 (VCV001302971.3), dbSNP rs2154577341, ClinGen allele CA383370768.

ClinVar aggregate classification (germline): Likely pathogenic (1 of 4 stars; one submission).

Submission:

GeneDx
Classification: Likely pathogenic. Last evaluated: 2022-05-27. Review status: criteria provided, single submitter. Criteria: GeneDx Variant Classification Process June 2021. Collection method: clinical testing. Allele origin: germline. Affected: yes.
Comment: Not observed at significant frequency in large population cohorts (gnomAD); In silico analysis supports that this missense variant has a deleterious effect on protein structure/function; In silico analysis suggests this variant may impact gene splicing. In the absence of RNA/functional studies, the actual effect of this sequence change is unknown.; Has not been previously published as pathogenic or benign to our knowledge